The following is an entry in ClinVar:

NM_000026.4(ADSL):c.357T>C (p.Thr119=)

Gene: ADSL (adenylosuccinate lyase; plus strand). Cytogenetic location: 22q13.1.
Variant type: single nucleotide variant.
Coding change: c.357T>C on transcript NM_000026.4 (MANE Select); coding-DNA position 357, T replaced by C.
Protein change: p.Thr119=; no amino-acid change (threonine 119 retained).
Molecular consequence: synonymous variant. On other transcripts: non-coding transcript variant (1).
Genome position (GRCh38, 1-based): chr22:40,350,035, T>C. VCF-style: chr22-40350035-T-C. GRCh37 (hg19) VCF-style: chr22-40746039-T-C.
Other names: c.357T>C, p.Thr119= (NM_001123378.3, NM_001363840.3); c.165T>C, p.Thr55= (NM_001317923.2).
Identifiers: ClinVar variation 1376011 (VCV001376011.6), dbSNP rs2146623601, ClinGen allele CA514612105.

ClinVar aggregate classification (germline): Uncertain significance (1 of 4 stars; one submission).

Conditions:
Adenylosuccinate lyase deficiency (ADSLD). Also called: ADSL DEFICIENCY. Identifiers: Orphanet 46, MedGen C0268126, MONDO:0007068, OMIM 103050.

Allele frequency attached by ClinVar (database versions not stated): gnomAD exomes below 0.00001.
gnomAD v4.1: 4 of 1,613,134 alleles (0.00025%); highest among the groups gnomAD compares: Non-Finnish European, 0.00025%; no homozygotes.

Submission:

Labcorp Genetics (formerly Invitae), Labcorp
Classification: Uncertain significance for Adenylosuccinate lyase deficiency. Last evaluated: 2023-10-03. Review status: criteria provided, single submitter. Criteria: Invitae Variant Classification Sherloc (09022015). Collection method: clinical testing. Allele origin: germline.
Comment: This sequence change affects codon 119 of the ADSL mRNA. It is a 'silent' change, meaning that it does not change the encoded amino acid sequence of the ADSL protein. It affects a nucleotide within the consensus splice site. This variant is not present in population databases (gnomAD no frequency). This variant has not been reported in the literature in individuals affected with ADSL-related conditions. ClinVar contains an entry for this variant (Variation ID: 1376011). Algorithms developed to predict the effect of sequence changes on RNA splicing suggest that this variant is not likely to affect RNA splicing. In summary, the available evidence is currently insufficient to determine the role of this variant in disease. Therefore, it has been classified as a Variant of Uncertain Significance.